The following is an entry in ClinVar:

NM_005633.4(SOS1):c.1147G>C (p.Val383Leu)

Gene: SOS1 (SOS Ras/Rac guanine nucleotide exchange factor 1; minus strand). Cytogenetic location: 2p22.1.
Variant type: single nucleotide variant.
Coding change: c.1147G>C on transcript NM_005633.4 (MANE Select); coding-DNA position 1147, G replaced by C.
Protein change: p.Val383Leu; replaces valine 383 with leucine.
Molecular consequence: missense variant.
Genome position (GRCh38, 1-based): chr2:39,024,065, C>G on the plus strand (G>C on the coding strand, the complement: SOS1 is on the minus strand). VCF-style: chr2-39024065-C-G. GRCh37 (hg19) VCF-style: chr2-39251206-C-G.
Other names: c.1126G>C, p.Val376Leu (NM_001382394.1); c.1147G>C, p.Val383Leu (NM_001382395.1); short protein forms V383L, V376L.
Identifiers: ClinVar variation 4525725 (VCV004525725.1).

ClinVar aggregate classification (germline): Uncertain significance (1 of 4 stars; one submission).

gnomAD v4.1: 1 of 1,600,938 alleles (0.000062%); no homozygotes.

Submission:

Women's Health and Genetics/Laboratory Corporation of America, LabCorp
Classification: Uncertain significance. Last evaluated: 2025-07-21. Review status: criteria provided, single submitter. Criteria: LabCorp Variant Classification Summary - May 2015. Collection method: clinical testing. Allele origin: germline.
Comment: Variant summary: SOS1 c.1147G>C (p.Val383Leu) results in a conservative amino acid change in the encoded protein sequence. Algorithms developed to predict the effect of missense changes on protein structure and function are either unavailable or do not agree on the potential impact of this missense change. The variant allele was found at a frequency of 4e-06 in 250834 control chromosomes. The available data on variant occurrences in the general population are insufficient to allow any conclusion about variant significance. To our knowledge, no occurrence of c.1147G>C in individuals affected with Noonan Syndrome and no experimental evidence demonstrating its impact on protein function have been reported. No submitters have cited clinical-significance assessments for this variant to ClinVar. Based on the evidence outlined above, the variant was classified as uncertain significance.